The following is an entry in ClinVar:

NM_177550.5(SLC13A5):c.20A>G (p.Tyr7Cys)

Gene: SLC13A5 (solute carrier family 13 member 5; minus strand). Cytogenetic location: 17p13.1.
Variant type: single nucleotide variant.
Coding change: c.20A>G on transcript NM_177550.5 (MANE Select); coding-DNA position 20, A replaced by G.
Protein change: p.Tyr7Cys; replaces tyrosine 7 with cysteine.
Molecular consequence: missense variant.
Genome position (GRCh38, 1-based): chr17:6,713,314, T>C on the plus strand (A>G on the coding strand, the complement: SLC13A5 is on the minus strand). VCF-style: chr17-6713314-T-C. GRCh37 (hg19) VCF-style: chr17-6616633-T-C.
Other names: c.20A>G, p.Tyr7Cys (NM_001143838.3, NM_001284509.2, NM_001284510.2); short protein forms Y7C.
Identifiers: ClinVar variation 1431824 (VCV001431824.7), dbSNP rs568118247, ClinGen allele CA8331898.
Genomic context (GRCh38, chr17:6,713,314, plus strand): 5'-AGTGGCAGCAGCAGGAGCGGGGTGACGAACAAGATCACGAAGGACTTGAACTTGGAGACA[T>C]AGCTCAGCGCCGAGGCCATCGCGCGGGAGGGAGACTGGCGGGCGAGACGAGTGAGGGGCA-3'
Protein context (NP_808218.1, residues 1-17): MASALS[Tyr7Cys]VSKFKSFVIL

ClinVar aggregate classification (germline): Uncertain significance (1 of 4 stars; one submission).

Conditions:
Developmental and epileptic encephalopathy, 25 (DEE25). Also called: Epileptic encephalopathy, early infantile, 25; Epileptic encephalopathy, early infantile, 25, with amelogenesis imperfecta; Developmental and epileptic encephalopathy 25, with amelogenesis imperfecta. Identifiers: Orphanet 442835, MedGen C4014621, MONDO:0014392, OMIM 615905.

Allele frequency attached by ClinVar (database versions not stated): gnomAD exomes below 0.00001; TOPMed below 0.00001; ExAC 0.00001; gnomAD 0.00002.
gnomAD v4.1: 6 of 1,613,792 alleles (0.00037%); highest among the groups gnomAD compares: Admixed American, 0.0033%; no homozygotes.

Submission:

Labcorp Genetics (formerly Invitae), Labcorp
Classification: Uncertain significance for Developmental and epileptic encephalopathy, 25. Last evaluated: 2025-10-06. Review status: criteria provided, single submitter. Criteria: Invitae Variant Classification Sherloc (09022015). Collection method: clinical testing. Allele origin: germline.
Comment: This sequence change replaces tyrosine, which is neutral and polar, with cysteine, which is neutral and slightly polar, at codon 7 of the SLC13A5 protein (p.Tyr7Cys). This variant is present in population databases (rs568118247, gnomAD 0.0009%). This variant has not been reported in the literature in individuals affected with SLC13A5-related conditions. ClinVar contains an entry for this variant (Variation ID: 1431824). An algorithm developed to predict the effect of missense changes on protein structure and function outputs the following: PolyPhen-2: "Benign". The cysteine amino acid residue is found in multiple mammalian species, which suggests that this missense change does not adversely affect protein function. In summary, the available evidence is currently insufficient to determine the role of this variant in disease. Therefore, it has been classified as a Variant of Uncertain Significance.